The following is an entry in ClinVar:

ClinVar aggregate classification (germline): Likely benign. Review status: criteria provided, single submitter (1 of 4 stars). 2 submissions from 2 submitters: Likely benign (1). 1 of the submissions does not count toward it. Last evaluated 2023-10-05.

Conditions:
NOTCH3-related disorder. Also called: NOTCH3-related condition; NOTCH3-related disorders.

Allele frequency attached by ClinVar (database versions not stated): 1000 Genomes Project 30x 0.00016; 1000 Genomes Project 0.00020.
gnomAD v4.1: 10 of 1,525,436 alleles (0.00066%); highest among the groups gnomAD compares: East Asian, 0.0024%; no homozygotes.

Submissions (2):

Labcorp Genetics (formerly Invitae), Labcorp
Classification: Likely benign. Last evaluated: 2023-10-05. Review status: criteria provided, single submitter. Criteria: Invitae Variant Classification Sherloc (09022015). Collection method: clinical testing. Allele origin: germline.

PreventionGenetics, part of Exact Sciences
Classification: Likely benign for NOTCH3-related condition. Last evaluated: 2021-10-01. Review status: no assertion criteria provided. Collection method: clinical testing. Allele origin: germline. Not counted in ClinVar's aggregate classification.
Comment: This variant is classified as likely benign based on ACMG/AMP sequence variant interpretation guidelines (Richards et al. 2015 PMID: 25741868, with internal and published modifications).

NM_000435.3(NOTCH3):c.6267G>C (p.Pro2089=)

Gene: NOTCH3 (notch receptor 3; minus strand). Cytogenetic location: 19p13.12.
Variant type: single nucleotide variant.
Coding change: c.6267G>C on transcript NM_000435.3 (MANE Select); coding-DNA position 6267, G replaced by C.
Protein change: p.Pro2089=; no amino-acid change (proline 2089 retained).
Molecular consequence: synonymous variant.
Genome position (GRCh38, 1-based): chr19:15,161,361, C>G on the plus strand (G>C on the coding strand, the complement: NOTCH3 is on the minus strand). VCF-style: chr19-15161361-C-G. GRCh37 (hg19) VCF-style: chr19-15272172-C-G.
Other names: c.6267G>C (NM_000435.2).
Identifiers: ClinVar variation 1583221 (VCV001583221.10), dbSNP rs577303432, ClinGen allele CA305758362.